The following is an entry in ClinVar:

ClinVar aggregate classification (germline): Pathogenic/Likely pathogenic. Review status: criteria provided, multiple submitters, no conflicts (2 of 4 stars). 13 submissions from 13 submitters: Pathogenic (9); Likely pathogenic (3). 1 of the submissions does not count toward it. Last evaluated 2026-04-13.

Conditions:
PTPN11-related disorder. Also called: PTPN11-Related Disorders.
Cardiovascular phenotype. Identifiers: MedGen CN230736.
Juvenile myelomonocytic leukemia (JMML). Also called: LEUKEMIA, JUVENILE MYELOMONOCYTIC, SOMATIC. Identifiers: Orphanet 86834, MedGen C0349639, MONDO:0011908, OMIM 607785, HP:0012209.
Noonan syndrome 1 (NS1). Also called: PTPN11-Related Noonan Syndrome; FEMALE PSEUDO-TURNER SYNDROME; TURNER PHENOTYPE WITH NORMAL KARYOTYPE. Identifiers: Orphanet 648, MedGen C4551602, MONDO:0008104, OMIM 163950. Disease mechanism: gain of function.
Metachondromatosis (METCDS). Identifiers: Orphanet 2499, MedGen C0410530, MONDO:0007979, OMIM 156250.
LEOPARD syndrome 1 (LPRD1). Also called: PTPN11-Related LEOPARD Syndrome; LENTIGINOSIS, CARDIOMYOPATHIC; MULTIPLE LENTIGINES SYNDROME. Identifiers: Orphanet 500, MedGen C4551484, MONDO:0100082, OMIM 151100.
RASopathy. Also called: rasopathies; Noonan spectrum disorder. Identifiers: Orphanet 536391, MedGen C5555857, MONDO:0021060.
Noonan syndrome (NS). Also called: Noonan's syndrome. Identifiers: Orphanet 648, MedGen C0028326, MeSH D009634, MONDO:0018997. Disease mechanism: gain of function.

Allele frequency attached by ClinVar (database versions not stated): gnomAD exomes below 0.00001.
gnomAD v4.1: 1 of 1,613,236 alleles (0.000062%); highest among the groups gnomAD compares: East Asian, 0.0022%; no homozygotes.

Submissions (13):

PreventionGenetics, part of Exact Sciences
Classification: Pathogenic for PTPN11-related condition. Last evaluated: 2026-04-13. Review status: criteria provided, single submitter. Criteria: ACMG Guidelines, 2015. Collection method: clinical testing. Allele origin: germline.
Comment: The PTPN11 c.178G>A variant is predicted to result in the amino acid substitution p.Gly60Ser. This variant has been reported in individuals with Noonan syndrome/RASopathy phenotypes, with at least one case confirmed to have occurred de novo (Ezquieta et al. 2012. PubMed ID: 22465605; Bertelloni et al. 2013. PubMed ID: 23624134). This variant has not been reported in a large population database (gnomAD), indicating this variant is rare. Different amino acid substitutions affecting the same amino acid (p.Gly60Cys, p.Gly60Ala, p.Gly60Val) have been reported in individuals with Noonan syndrome (Human Gene Mutation Database). The c.178G>A (p.Gly60Ser) variant is interpreted as pathogenic.

Ambry Genetics
Classification: Likely pathogenic for Cardiovascular phenotype. Last evaluated: 2025-11-06. Review status: criteria provided, single submitter. Criteria: Ambry Variant Classification Scheme 2023. Collection method: clinical testing. Allele origin: germline.
Comment: The p.G60S variant (also known as c.178G>A), located in coding exon 3 of the PTPN11 gene, results from a G to A substitution at nucleotide position 178. The glycine at codon 60 is replaced by serine, an amino acid with similar properties. This variant was reported in individual(s) with features consistent with PTPN11-related RASopathy (Ezquieta B et al. Rev Esp Cardiol (Engl Ed), 2012 May;65:447-55; Bertelloni S et al. Hormones (Athens), 2013;12:86-92; Eboreime J et al. Hum Mutat, 2022 Dec;43:2205-2221; Tabib A et al. Eur J Med Res, 2022 Dec;27:286; Abolhassani A et al. NPJ Genom Med, 2024 Feb;9:12; van der Woude S et al. J Cutan Pathol, 2025 Jan;52:20-23). This variant is considered to be rare based on population cohorts in the Genome Aggregation Database (gnomAD). This amino acid position is highly conserved in available vertebrate species. In addition, this alteration is predicted to be deleterious by in silico analysis. Based on the majority of available evidence to date, this variant is likely to be pathogenic for PTPN11-related RASopathy; however, its clinical significance for metachondromatosis is uncertain.

Labcorp Genetics (formerly Invitae), Labcorp
Classification: Pathogenic for RASopathy. Last evaluated: 2025-09-30. Review status: criteria provided, single submitter. Criteria: Invitae Variant Classification Sherloc (09022015). Collection method: clinical testing. Allele origin: germline.
Comment: This sequence change replaces glycine, which is neutral and non-polar, with serine, which is neutral and polar, at codon 60 of the PTPN11 protein (p.Gly60Ser). This variant is not present in population databases (gnomAD no frequency). This missense change has been observed in individual(s) with clinical features of Noonan syndrome (PMID: 22465605, 23624134). In at least one individual the variant was observed to be de novo. ClinVar contains an entry for this variant (Variation ID: 40490). Invitae Evidence Modeling of protein sequence and biophysical properties (such as structural, functional, and spatial information, amino acid conservation, physicochemical variation, residue mobility, and thermodynamic stability) indicates that this missense variant is expected to disrupt PTPN11 protein function with a positive predictive value of 95%. This variant disrupts the p.Gly60 amino acid residue in PTPN11. Other variant(s) that disrupt this residue have been determined to be pathogenic (PMID: 11992261, 16643459, 17020470, 24039098, 26817465). This suggests that this residue is clinically significant, and that variants that disrupt this residue are likely to be disease-causing. For these reasons, this variant has been classified as Pathogenic.

Genomic Medicine Center of Excellence, King Faisal Specialist Hospital and Research Centre
Classification: Pathogenic for Noonan syndrome 1. Last evaluated: 2025-09-10. Review status: criteria provided, single submitter. Criteria: ACMG Guidelines, 2015. Collection method: clinical testing. Allele origin: germline.

Women's Health and Genetics/Laboratory Corporation of America, LabCorp
Classification: Pathogenic for RASopathy. Last evaluated: 2024-01-30. Review status: criteria provided, single submitter. Criteria: LabCorp Variant Classification Summary - May 2015. Collection method: clinical testing. Allele origin: germline.
Comment: Variant summary: PTPN11 c.178G>A (p.Gly60Ser) results in a non-conservative amino acid change located in the SH2 domain (IPR000980) of the encoded protein sequence. Five of five in-silico tools predict a damaging effect of the variant on protein function. The variant was absent in 250992 control chromosomes (gnomAD). c.178G>A has been reported in the literature as de novo in individuals affected with Noonan Syndrome (example: Ezquieta_2012). These data indicate that the variant is likely to be associated with disease. The following publication has been ascertained in the context of this evaluation (PMID: 22465605). ClinVar contains an entry for this variant (Variation ID: 40490). Based on the evidence outlined above, the variant was classified as pathogenic.

ARUP Laboratories, Molecular Genetics and Genomics, ARUP Laboratories
Classification: Pathogenic. Last evaluated: 2023-09-11. Review status: criteria provided, single submitter. Criteria: ARUP Molecular Germline Variant Investigation Process 2024. Collection method: clinical testing. Allele origin: germline.
Comment: The PTPN11 c.178G>A; p.Gly60Ser variant (rs397507507) is reported in multiple individuals with PTPN11-associated disorders and reported to occur de novo in most of these individuals (Bertelloni 2013, Ezquieta 2012). This variant is also reported in ClinVar (Variation ID: 40490). It is absent from the Genome Aggregation Database, indicating it is not a common polymorphism. Computational analyses predict that this variant is deleterious (REVEL: 0.89). Based on available information, this variant is considered to be pathogenic. References: Bertelloni S et al. IGF-I generation test in prepubertal children with Noonan syndrome due to mutations in the PTPN11 gene. Hormones (Athens). 2013 Jan-Mar;12(1):86-92. PMID: 23624134. Ezquieta B et al. Alterations in RAS-MAPK genes in 200 Spanish patients with Noonan and other neuro-cardio-facio-cutaneous syndromes. Genotype and cardiopathy. Rev Esp Cardiol (Engl Ed). 2012 May;65(5):447-55. English, Spanish. PMID: 22465605.

Centre of Medical Genetics, University Hospital Muenster
Classification: Likely pathogenic. Last evaluated: 2023-09-04. Review status: criteria provided, single submitter. Criteria: ACMG Guidelines, 2015. Collection method: clinical testing. Allele origin: unknown. Affected: yes. Observed: 1 variant allele, 1 heterozygote.
Comment: ACMG categories: PS1,PM1,PM2

GeneDx
Classification: Pathogenic. Last evaluated: 2023-04-14. Review status: criteria provided, single submitter. Criteria: GeneDx Variant Classification Process June 2021. Collection method: clinical testing. Allele origin: germline. Affected: yes.
Comment: Not observed at significant frequency in large population cohorts (gnomAD); The majority of missense variants in this gene are considered pathogenic (HGMD); In silico analysis supports that this missense variant has a deleterious effect on protein structure/function; This variant is associated with the following publications: (PMID: 22465605, 36349709, 23624134, 11992261, 9491886, 16053901, 29493581)

Blueprint Genetics
Classification: Pathogenic for PTPN11-related disorders. Last evaluated: 2022-12-23. Review status: criteria provided, single submitter. Criteria: ACMG Guidelines, 2015. Collection method: clinical testing. Allele origin: germline. Affected: yes. Observed: 3 variant alleles.

Fulgent Genetics
Classification: Pathogenic for LEOPARD syndrome 1; Metachondromatosis; Noonan syndrome 1; Juvenile myelomonocytic leukemia. Last evaluated: 2021-08-01. Review status: criteria provided, single submitter. Criteria: ACMG Guidelines, 2015. Collection method: clinical testing. Allele origin: unknown.

Kariminejad - Najmabadi Pathology & Genetics Center
Classification: Likely pathogenic. Last evaluated: 2021-07-10. Review status: criteria provided, single submitter. Criteria: ACMG Guidelines, 2015. Collection method: clinical testing. Allele origin: germline. Affected: yes.

Laboratory for Molecular Medicine, Mass General Brigham Personalized Medicine
Classification: Pathogenic for Noonan syndrome. Last evaluated: 2017-07-31. Review status: criteria provided, single submitter. Criteria: LMM Criteria. Collection method: clinical testing. Allele origin: germline. Inheritance: Autosomal dominant inheritance. Observed: 4 variant alleles.
Comment: The p.Gly60Ser variant in PTPN11 has been previously identified in three individ uals with clinical features of Noonan syndrome (Ezquieta 2012, LMM unpublished d ata), was noted to have occurred de novo in one individual, and was absent from large population studies. In addition, several other amino acid changes at this position (p.Gly60Ala, p.Gly60Cys, p.Gly60Val) have been observed in individuals with clinical features of Noonan syndrome, suggesting that changes to this resid ue are not tolerated. In summary, this variant meets our criteria to be classifi ed as pathogenic for Noonan syndrome in an autosomal dominant manner based on it s de novo occurrence, absence from large population databases and multiple varia nts affecting this codon in individuals with features of Noonan syndrome.

Greenwood Genetic Center Diagnostic Laboratories, Greenwood Genetic Center
Classification: Likely pathogenic. Last evaluated: 2015-01-15. Review status: no assertion criteria provided. Collection method: clinical testing. Allele origin: germline. Not counted in ClinVar's aggregate classification.

Literature cited by the submitters: PubMed 22465605 (cited by 4 submitters); PubMed 23624134 (cited by Ambry Genetics and Labcorp Genetics (formerly Invitae), Labcorp); PubMed 36349709 (cited by Ambry Genetics); PubMed 36496429 (cited by Ambry Genetics); PubMed 38374194 (cited by Ambry Genetics); PubMed 39392019 (cited by Ambry Genetics); PubMed 11992261 (cited by Labcorp Genetics (formerly Invitae), Labcorp); PubMed 16643459 (cited by Labcorp Genetics (formerly Invitae), Labcorp); PubMed 17020470 (cited by Labcorp Genetics (formerly Invitae), Labcorp); PubMed 24039098 (cited by Labcorp Genetics (formerly Invitae), Labcorp); PubMed 26817465 (cited by Labcorp Genetics (formerly Invitae), Labcorp); PubMed 16358218 (cited by Laboratory for Molecular Medicine, Mass General Brigham Personalized Medicine).

NM_002834.5(PTPN11):c.178G>A (p.Gly60Ser)

Gene: PTPN11 (protein tyrosine phosphatase non-receptor type 11; plus strand). Cytogenetic location: 12q24.13.
Variant type: single nucleotide variant.
Coding change: c.178G>A on transcript NM_002834.5 (MANE Select); coding-DNA position 178, G replaced by A.
Protein change: p.Gly60Ser; replaces glycine 60 with serine.
Molecular consequence: missense variant.
Genome position (GRCh38, 1-based): chr12:112,450,358, G>A. VCF-style: chr12-112450358-G-A. GRCh37 (hg19) VCF-style: chr12-112888162-G-A.
Other names: p.G60S:GGT>AGT; c.178G>A, p.Gly60Ser (NM_001330437.2, NM_080601.3); c.175G>A, p.Gly59Ser (NM_001374625.1); c.178G>A (NM_002834.4); short protein forms G60S, G59S.
Identifiers: ClinVar variation 40490 (VCV000040490.50), dbSNP rs397507507, ClinGen allele CA235370.